The following is an entry in ClinVar:

NM_006059.4(LAMC3):c.2890+1G>C

Gene: LAMC3 (laminin subunit gamma 3; plus strand). Cytogenetic location: 9q34.12.
Variant type: single nucleotide variant.
Coding change: c.2890+1G>C on transcript NM_006059.4 (MANE Select); the canonical splice donor site of the intron after coding-DNA position 2890, G replaced by C.
Molecular consequence: splice donor variant.
Genome position (GRCh38, 1-based): chr9:131,069,051, G>C. VCF-style: chr9-131069051-G-C. GRCh37 (hg19) VCF-style: chr9-133944438-G-C.
Identifiers: ClinVar variation 4709710 (VCV004709710.1).

ClinVar aggregate classification (germline): Likely pathogenic (1 of 4 stars; one submission).

Submission:

Labcorp Genetics (formerly Invitae), Labcorp
Classification: Likely pathogenic. Last evaluated: 2025-11-28. Review status: criteria provided, single submitter. Criteria: Invitae Variant Classification Sherloc (09022015). Collection method: clinical testing. Allele origin: germline.
Comment: This sequence change affects a donor splice site in intron 16 of the LAMC3 gene. It is expected to disrupt RNA splicing. Variants that disrupt the donor or acceptor splice site typically lead to a loss of protein function (PMID: 16199547), and loss-of-function variants in LAMC3 are known to be pathogenic (PMID: 21572413, 26802095). This variant is not present in population databases (gnomAD no frequency). This variant has not been reported in the literature in individuals affected with LAMC3-related conditions. Algorithms developed to predict the effect of sequence changes on RNA splicing suggest that this variant may disrupt the consensus splice site. In summary, the currently available evidence indicates that the variant is pathogenic, but additional data are needed to prove that conclusively. Therefore, this variant has been classified as Likely Pathogenic.

Literature cited by the submitters: PubMed 16199547; PubMed 21572413; PubMed 26802095.